The following is an entry in ClinVar:

ClinVar aggregate classification (germline): Likely benign. Review status: criteria provided, multiple submitters, no conflicts (2 of 4 stars). 3 submissions from 3 submitters: Likely benign (3). Last evaluated 2026-04-23.

Conditions:
COL9A3-related disorder. Also called: COL9A3-related condition.

Allele frequency attached by ClinVar (database versions not stated): gnomAD 0.00001 and 0.00006; TOPMed 0.00001; gnomAD exomes 0.00023; ExAC 0.00033.
gnomAD v4.1: 147 of 1,605,826 alleles (0.0092%); highest among the groups gnomAD compares: South Asian, 0.14%; 2 homozygotes.

Submissions (3):

PreventionGenetics, part of Exact Sciences
Classification: Likely benign for COL9A3-related condition. Last evaluated: 2026-04-23. Review status: criteria provided, single submitter. Criteria: ACMG Guidelines, 2015. Collection method: clinical testing. Allele origin: germline.
Comment: This variant is classified as likely benign based on ACMG/AMP sequence variant interpretation guidelines (Richards et al. 2015 PMID: 25741868, with internal and published modifications).

Labcorp Genetics (formerly Invitae), Labcorp
Classification: Likely benign. Last evaluated: 2025-09-14. Review status: criteria provided, single submitter. Criteria: Invitae Variant Classification Sherloc (09022015). Collection method: clinical testing. Allele origin: germline.

Blueprint Genetics
Classification: Likely benign. Last evaluated: 2023-07-06. Review status: criteria provided, single submitter. Criteria: ACMG Guidelines, 2015. Collection method: clinical testing. Allele origin: germline.

NM_001853.4(COL9A3):c.1107+13G>A

Gene: COL9A3 (collagen type IX alpha 3 chain; plus strand). Cytogenetic location: 20q13.33.
Variant type: single nucleotide variant.
Coding change: c.1107+13G>A on transcript NM_001853.4 (MANE Select); 13 bases into the intron after coding-DNA position 1107, G replaced by A.
Molecular consequence: intron variant.
Genome position (GRCh38, 1-based): chr20:62,829,694, G>A. VCF-style: chr20-62829694-G-A. GRCh37 (hg19) VCF-style: chr20-61461046-G-A.
Other names: c.1107+13G>A (NM_001853.3).
Identifiers: ClinVar variation 1628667 (VCV001628667.10), dbSNP rs767469394, ClinGen allele CA9949749.
Genomic context (GRCh38, chr20:62,829,694, plus strand): 5'-GCTGGGGAGCTGGGTGAGGCCGGCCCCTCTGGAGAGCCAGGCGTCCCTGTGAGTATCTGC[G>A]GCGCCCCAGACCCCTCCCCATCCAGCCTGTGTGCAGACCCTGCCCTGACACCCTCCTTCC-3'